The following is an entry in ClinVar:

ClinVar aggregate classification (germline): Uncertain significance (1 of 4 stars; one submission).

Submission:

Labcorp Genetics (formerly Invitae), Labcorp
Classification: Uncertain significance. Last evaluated: 2024-12-23. Review status: criteria provided, single submitter. Criteria: Invitae Variant Classification Sherloc (09022015). Collection method: clinical testing. Allele origin: germline.
Comment: This sequence change replaces arginine, which is basic and polar, with glutamine, which is neutral and polar, at codon 277 of the GATA3 protein (p.Arg277Gln). This variant is not present in population databases (gnomAD no frequency). This variant has not been reported in the literature in individuals affected with GATA3-related conditions. Invitae Evidence Modeling of protein sequence and biophysical properties (such as structural, functional, and spatial information, amino acid conservation, physicochemical variation, residue mobility, and thermodynamic stability) indicates that this missense variant is expected to disrupt GATA3 protein function with a positive predictive value of 80%. In summary, the available evidence is currently insufficient to determine the role of this variant in disease. Therefore, it has been classified as a Variant of Uncertain Significance.

NM_001002295.2(GATA3):c.830G>A (p.Arg277Gln)

Gene: GATA3 (GATA binding protein 3; plus strand). Cytogenetic location: 10p14.
Variant type: single nucleotide variant.
Coding change: c.830G>A on transcript NM_001002295.2 (MANE Select); coding-DNA position 830, G replaced by A.
Protein change: p.Arg277Gln; replaces arginine 277 with glutamine.
Molecular consequence: missense variant.
Genome position (GRCh38, 1-based): chr10:8,064,044, G>A. VCF-style: chr10-8064044-G-A. GRCh37 (hg19) VCF-style: chr10-8106007-G-A.
Other names: c.827G>A, p.Arg276Gln (NM_002051.3); short protein forms R277Q, R276Q.
Identifiers: ClinVar variation 3712906 (VCV003712906.2).
Genomic context (GRCh38, chr10:8,064,044, plus strand): 5'-TGTTTCCAGAAGGCAGGGAGTGTGTGAACTGTGGGGCAACCTCGACCCCACTGTGGCGGC[G>A]AGATGGCACGGGACACTACCTGTGCAACGCCTGCGGGCTCTATCACAAAATGAACGGACA-3'
Protein context (NP_001002295.1, residues 267-287): CGATSTPLWR[Arg277Gln]DGTGHYLCNA